The following is an entry in ClinVar:

NM_173630.4(RTTN):c.2508_2525del (p.Glu836_Asp841del)

Gene: RTTN (rotatin; minus strand). Cytogenetic location: 18q22.2.
Variant type: Deletion.
Coding change: c.2508_2525del on transcript NM_173630.4 (MANE Select); coding-DNA positions 2508 to 2525, 18 bases deleted (AATCTTCACCTCAGATGA).
Protein change: p.Glu836_Asp841del.
Molecular consequence: 5 prime UTR variant (on NM_001318520.2).
Genome position (GRCh38, 1-based): chr18:70,142,344-70,142,361, TCATCTGAGGTGAAGATT deleted on the plus strand (AATCTTCACCTCAGATGA on the coding strand, the reverse complement: RTTN is on the minus strand); deleting any 18 consecutive bases within chr18:70,142,344-70,142,365 gives the same sequence; the c. name uses the placement nearest the transcript's 3' end. VCF-style (leftmost placement, unchanged base first): chr18-70142343-ATCATCTGAGGTGAAGATT-A. GRCh37 (hg19) VCF-style: chr18-67809579-ATCATCTGAGGTGAAGATT-A.
Other names: c.-140_-123del (NM_001318520.2).
Identifiers: ClinVar variation 4778346 (VCV004778346.1).

ClinVar aggregate classification (germline): Uncertain significance (1 of 4 stars; one submission).

Submission:

Labcorp Genetics (formerly Invitae), Labcorp
Classification: Uncertain significance. Last evaluated: 2025-09-25. Review status: criteria provided, single submitter. Criteria: Invitae Variant Classification Sherloc (09022015). Collection method: clinical testing. Allele origin: germline.
Comment: This variant, c.2508_2525del, results in the deletion of 6 amino acid(s) of the RTTN protein (p.Glu836_Asp841del), but otherwise preserves the integrity of the reading frame. This variant is not present in population databases (gnomAD no frequency). This variant has not been reported in the literature in individuals affected with RTTN-related conditions. Experimental studies and prediction algorithms are not available or were not evaluated, and the functional significance of this variant is currently unknown. In summary, the available evidence is currently insufficient to determine the role of this variant in disease. Therefore, it has been classified as a Variant of Uncertain Significance.